The following is an entry in ClinVar:

NM_025114.4(CEP290):c.694dup (p.Ile232fs)

Gene: CEP290 (centrosomal protein 290; minus strand). Cytogenetic location: 12q21.32.
Variant type: Duplication.
Coding change: c.694dup on transcript NM_025114.4 (MANE Select); coding-DNA position 694, one base duplicated (A; older notation c.694dupA).
Protein change: p.Ile232fs; shifts the reading frame from isoleucine 232.
Molecular consequence: frameshift variant.
Genome position (GRCh38, 1-based): chr12:88,129,852, T duplicated on the plus strand (A on the coding strand, the reverse complement: CEP290 is on the minus strand); the first of 4 consecutive T bases (chr12:88,129,852-88,129,855); duplicating any one gives the same sequence. VCF-style (leftmost placement, unchanged base first): chr12-88129851-A-AT. GRCh37 (hg19) VCF-style: chr12-88523628-A-AT.
Other names: short protein forms I232fs.
Identifiers: ClinVar variation 2086546 (VCV002086546.4), dbSNP rs2501476639, ClinGen allele CA2580086767.

ClinVar aggregate classification (germline): Pathogenic (1 of 4 stars; one submission).

Conditions:
Joubert syndrome. Also called: CEREBELLOPARENCHYMAL DISORDER IV; JOUBERT-BOLTSHAUSER SYNDROME; Familial aplasia of the vermis. Identifiers: Orphanet 475, MedGen C5979921, MONDO:0018772.
Nephronophthisis. Also called: Juvenile Nephronophthisis. Identifiers: Orphanet 655, MedGen C0687120, MONDO:0019005, HP:0000090.
Meckel-Gruber syndrome. Also called: DYSENCEPHALIA SPLANCHNOCYSTICA; GRUBER SYNDROME; Dysencephalia splachnocystica. Identifiers: Orphanet 564, MedGen C0265215, MONDO:0018921.

Submission:

Labcorp Genetics (formerly Invitae), Labcorp
Classification: Pathogenic for Joubert syndrome; Meckel-Gruber syndrome; Nephronophthisis. Last evaluated: 2022-01-16. Review status: criteria provided, single submitter. Criteria: Invitae Variant Classification Sherloc (09022015). Collection method: clinical testing. Allele origin: germline.
Comment: For these reasons, this variant has been classified as Pathogenic. This variant has not been reported in the literature in individuals affected with CEP290-related conditions. This variant is not present in population databases (gnomAD no frequency). This sequence change creates a premature translational stop signal (p.Ile232Asnfs*2) in the CEP290 gene. It is expected to result in an absent or disrupted protein product. Loss-of-function variants in CEP290 are known to be pathogenic (PMID: 16909394, 17345604, 20690115).

Literature cited by the submitters: PubMed 16909394; PubMed 17345604; PubMed 20690115.